The following is an entry in ClinVar:

ClinVar aggregate classification (germline): Conflicting classifications of pathogenicity. Review status: criteria provided, conflicting classifications (1 of 4 stars). 3 submissions from 3 submitters: Uncertain significance (2); Likely benign (1). Last evaluated 2025-07-08.

Conditions:
LHX3-related disorder. Also called: LHX3-related condition.

Allele frequency attached by ClinVar (database versions not stated): gnomAD 0.00004; ExAC 0.00008.

Submissions (3):

PreventionGenetics, part of Exact Sciences
Classification: Likely benign for LHX3-related condition. Last evaluated: 2025-07-08. Review status: criteria provided, single submitter. Criteria: ACMG Guidelines, 2015. Collection method: clinical testing. Allele origin: germline.
Comment: This variant is classified as likely benign based on ACMG/AMP sequence variant interpretation guidelines (Richards et al. 2015 PMID: 25741868, with internal and published modifications).

Women's Health and Genetics/Laboratory Corporation of America, LabCorp
Classification: Uncertain significance. Last evaluated: 2024-11-18. Review status: criteria provided, single submitter. Criteria: LabCorp Variant Classification Summary - May 2015. Collection method: clinical testing. Allele origin: germline.
Comment: Variant summary: LHX3 c.789C>T (p.Pro263Pro) alters a conserved nucleotide located close to a canonical splice site and therefore could affect mRNA splicing, leading to a significantly altered protein sequence. Several computational tools predict a significant impact on normal splicing: Three predict the variant weakens a canonical 5' donor site. One predicts the variant has no significant impact on splicing. However, these predictions have yet to be confirmed by functional studies. The variant allele was found at a frequency of 0.00012 in 204236 control chromosomes. This frequency is not significantly higher than estimated for a pathogenic variant in LHX3 causing Combined Pituitary Hormone Deficiency (0.00012 vs 0.0013), allowing no conclusion about variant significance. To our knowledge, no occurrence of c.789C>T in individuals affected with Combined Pituitary Hormone Deficiency and no experimental evidence demonstrating its impact on protein function have been reported. ClinVar contains an entry for this variant (Variation ID: 1444398). Based on the evidence outlined above, the variant was classified as uncertain significance.

Labcorp Genetics (formerly Invitae), Labcorp
Classification: Uncertain significance. Last evaluated: 2022-10-12. Review status: criteria provided, single submitter. Criteria: Invitae Variant Classification Sherloc (09022015). Collection method: clinical testing. Allele origin: germline.
Comment: This sequence change affects codon 263 of the LHX3 mRNA. It is a 'silent' change, meaning that it does not change the encoded amino acid sequence of the LHX3 protein. It affects a nucleotide within the consensus splice site. This variant is present in population databases (rs745504169, gnomAD 0.07%). This variant has not been reported in the literature in individuals affected with LHX3-related conditions. ClinVar contains an entry for this variant (Variation ID: 1444398). Algorithms developed to predict the effect of sequence changes on RNA splicing suggest that this variant is not likely to affect RNA splicing. In summary, the available evidence is currently insufficient to determine the role of this variant in disease. Therefore, it has been classified as a Variant of Uncertain Significance.

NM_178138.6(LHX3):c.774C>T (p.Pro258=)

Gene: LHX3 (LIM homeobox 3; minus strand). Cytogenetic location: 9q34.3.
Variant type: single nucleotide variant.
Coding change: c.774C>T on transcript NM_178138.6 (MANE Select); coding-DNA position 774, C replaced by T.
Protein change: p.Pro258=; no amino-acid change (proline 258 retained).
Molecular consequence: synonymous variant.
Genome position (GRCh38, 1-based): chr9:136,198,653, G>A on the plus strand (C>T on the coding strand, the complement: LHX3 is on the minus strand). VCF-style: chr9-136198653-G-A. GRCh37 (hg19) VCF-style: chr9-139090499-G-A.
Other names: c.789C>T (NM_014564.4); c.741C>T, p.Pro247= (NM_001363746.1); c.789C>T, p.Pro263= (NM_014564.5).
Identifiers: ClinVar variation 1444398 (VCV001444398.5), dbSNP rs745504169, ClinGen allele CA5330387.